The following is an entry in ClinVar:

NM_138694.4(PKHD1):c.2763C>G (p.Cys921Trp)

Gene: PKHD1 (PKHD1 ciliary IPT domain containing fibrocystin/polyductin; minus strand). Cytogenetic location: 6p12.2.
Variant type: single nucleotide variant.
Coding change: c.2763C>G on transcript NM_138694.4 (MANE Select); coding-DNA position 2763, C replaced by G.
Protein change: p.Cys921Trp; replaces cysteine 921 with tryptophan.
Molecular consequence: missense variant.
Genome position (GRCh38, 1-based): chr6:52,043,683, G>C on the plus strand (C>G on the coding strand, the complement: PKHD1 is on the minus strand). VCF-style: chr6-52043683-G-C. GRCh37 (hg19) VCF-style: chr6-51908481-G-C.
Other names: c.2763C>G, p.Cys921Trp (NM_170724.3); short protein forms C921W.
Identifiers: ClinVar variation 2637000 (VCV002637000.2), dbSNP rs2128184120, ClinGen allele CA364442631.

ClinVar aggregate classification (germline): Uncertain significance. Review status: criteria provided, multiple submitters, no conflicts (2 of 4 stars). 2 submissions from 2 submitters: Uncertain significance (2). Last evaluated 2022-10-20.

Conditions:
PKHD1-related disorder. Also called: PKHD1-related condition.

Submissions (2):

PreventionGenetics, part of Exact Sciences
Classification: Uncertain significance for PKHD1-related condition. Last evaluated: 2022-10-20. Review status: criteria provided, single submitter. Criteria: ACMG Guidelines, 2015. Collection method: clinical testing. Allele origin: germline.
Comment: The PKHD1 c.2763C>G variant is predicted to result in the amino acid substitution p.Cys921Trp. To our knowledge, this variant has not been reported in the literature or in a large population database, indicating this variant is rare. Although we suspect that this variant may be pathogenic, at this time, the clinical significance of this variant is uncertain due to the absence of conclusive functional and genetic evidence.

Blueprint Genetics
Classification: Uncertain significance. Last evaluated: 2022-09-29. Review status: criteria provided, single submitter. Criteria: ACMG Guidelines, 2015. Collection method: clinical testing. Allele origin: germline.